The following is an entry in ClinVar:

NM_175875.5(SIX5):c.1651G>T (p.Val551Leu)

Gene: SIX5 (SIX homeobox 5; minus strand). Cytogenetic location: 19q13.32.
Variant type: single nucleotide variant.
Coding change: c.1651G>T on transcript NM_175875.5 (MANE Select); coding-DNA position 1651, G replaced by T.
Protein change: p.Val551Leu; replaces valine 551 with leucine.
Molecular consequence: missense variant.
Genome position (GRCh38, 1-based): chr19:45,766,070, C>A on the plus strand (G>T on the coding strand, the complement: SIX5 is on the minus strand). VCF-style: chr19-45766070-C-A. GRCh37 (hg19) VCF-style: chr19-46269328-C-A.
Other names: short protein forms V551L.
Identifiers: ClinVar variation 1935333 (VCV001935333.5), dbSNP rs755502593, ClinGen allele CA9520554.

ClinVar aggregate classification (germline): Uncertain significance (1 of 4 stars; one submission).

Submission:

Labcorp Genetics (formerly Invitae), Labcorp
Classification: Uncertain significance. Last evaluated: 2022-08-27. Review status: criteria provided, single submitter. Criteria: Invitae Variant Classification Sherloc (09022015). Collection method: clinical testing. Allele origin: germline.
Comment: This sequence change replaces valine, which is neutral and non-polar, with leucine, which is neutral and non-polar, at codon 551 of the SIX5 protein (p.Val551Leu). This variant is present in population databases (rs755502593, gnomAD 0.01%). This variant has not been reported in the literature in individuals affected with SIX5-related conditions. Algorithms developed to predict the effect of missense changes on protein structure and function are either unavailable or do not agree on the potential impact of this missense change (SIFT: "Tolerated"; PolyPhen-2: "Probably Damaging"; Align-GVGD: "Class C0"). In summary, the available evidence is currently insufficient to determine the role of this variant in disease. Therefore, it has been classified as a Variant of Uncertain Significance.